The following is an entry in ClinVar:

NM_001853.4(COL9A3):c.685-13CT[3]

Gene: COL9A3 (collagen type IX alpha 3 chain; plus strand). Cytogenetic location: 20q13.33.
Variant type: Microsatellite.
Coding change: c.685-13CT[3] on transcript NM_001853.4 (MANE Select); three copies in a row of the 2-base unit CT starting at c.685-13.
Molecular consequence: intron variant.
Genome position: GRCh38 VCF-style: chr20-62826190-CCT-C. GRCh37 (hg19) VCF-style: chr20-61457542-CCT-C.
Identifiers: ClinVar variation 3350752 (VCV003350752.3).

ClinVar aggregate classification (germline): Likely benign. Review status: criteria provided, single submitter (1 of 4 stars). 2 submissions from 2 submitters: Likely benign (1). 1 of the submissions does not count toward it. Last evaluated 2025-01-10.

Conditions:
COL9A3-related disorder. Also called: COL9A3-related condition.

Submissions (2):

Labcorp Genetics (formerly Invitae), Labcorp
Classification: Likely benign. Last evaluated: 2025-01-10. Review status: criteria provided, single submitter. Criteria: Invitae Variant Classification Sherloc (09022015). Collection method: clinical testing. Allele origin: germline.

PreventionGenetics, part of Exact Sciences
Classification: Likely benign for COL9A3-related condition. Last evaluated: 2020-03-09. Review status: no assertion criteria provided. Collection method: clinical testing. Allele origin: germline. Not counted in ClinVar's aggregate classification.
Comment: This variant is classified as likely benign based on ACMG/AMP sequence variant interpretation guidelines (Richards et al. 2015 PMID: 25741868, with internal and published modifications).